The following is an entry in ClinVar:

NM_001161403.3(LIMS2):c.366C>T (p.Leu122=)

Gene: LIMS2 (LIM zinc finger domain containing 2; minus strand). Cytogenetic location: 2q14.3.
Variant type: single nucleotide variant.
Coding change: c.366C>T on transcript NM_001161403.3 (MANE Select); coding-DNA position 366, C replaced by T.
Protein change: p.Leu122=; no amino-acid change (leucine 122 retained).
Molecular consequence: synonymous variant. On other transcripts: 5 prime UTR variant (1).
Genome position (GRCh38, 1-based): chr2:127,643,066, G>A on the plus strand (C>T on the coding strand, the complement: LIMS2 is on the minus strand). VCF-style: chr2-127643066-G-A. GRCh37 (hg19) VCF-style: chr2-128400641-G-A.
Other names: c.432C>T, p.Leu144= (NM_001136037.4); c.351C>T, p.Leu117= (NM_001161404.2); c.-91C>T (NM_001161405.1, NM_001256542.2); c.438C>T, p.Leu146= (NM_017980.5).
Identifiers: ClinVar variation 3047640 (VCV003047640.2), dbSNP rs2468848268, ClinGen allele CA428629108.

ClinVar aggregate classification (germline): Likely benign (0 of 4 stars; one submission).

Conditions:
LIMS2-related disorder. Also called: LIMS2-related condition.

Submission:

PreventionGenetics, part of Exact Sciences
Classification: Likely benign for LIMS2-related condition. Last evaluated: 2019-03-14. Review status: no assertion criteria provided. Collection method: clinical testing. Allele origin: germline.
Comment: This variant is classified as likely benign based on ACMG/AMP sequence variant interpretation guidelines (Richards et al. 2015 PMID: 25741868, with internal and published modifications).